The following is an entry in ClinVar:

NM_006204.4(PDE6C):c.934G>A (p.Gly312Ser)

Gene: PDE6C (phosphodiesterase 6C; plus strand). Cytogenetic location: 10q23.33.
Variant type: single nucleotide variant.
Coding change: c.934G>A on transcript NM_006204.4 (MANE Select); coding-DNA position 934, G replaced by A.
Protein change: p.Gly312Ser; replaces glycine 312 with serine.
Molecular consequence: missense variant.
Genome position (GRCh38, 1-based): chr10:93,625,644, G>A. VCF-style: chr10-93625644-G-A. GRCh37 (hg19) VCF-style: chr10-95385401-G-A.
Other names: short protein forms G312S.
Identifiers: ClinVar variation 941770 (VCV000941770.9), dbSNP rs1335367092, ClinGen allele CA377630851.
Genomic context (GRCh38, chr10:93,625,644, plus strand): 5'-GATGAATGGCCAATCAAGCTTGGAGAAGTAGAGCCTTATAAAGGTCCAAAGACACCTGAT[G>A]GCAGGGTACGTGCAAATGTCTTCCTTGATGCCATCTGTGCATGGTGTCAGGTGCTAAAAT-3'
Protein context (NP_006195.3, residues 302-322): EPYKGPKTPD[Gly312Ser]REVNFYKIID

ClinVar aggregate classification (germline): Uncertain significance (1 of 4 stars; one submission).

Allele frequency attached by ClinVar (database versions not stated): gnomAD exomes below 0.00001; TOPMed below 0.00001; gnomAD 0.00001.
gnomAD v4.1: 3 of 1,609,198 alleles (0.00019%); highest among the groups gnomAD compares: Non-Finnish European, 0.00026%; no homozygotes.

Submission:

Labcorp Genetics (formerly Invitae), Labcorp
Classification: Uncertain significance. Last evaluated: 2023-06-13. Review status: criteria provided, single submitter. Criteria: Invitae Variant Classification Sherloc (09022015). Collection method: clinical testing. Allele origin: germline.
Comment: In summary, the available evidence is currently insufficient to determine the role of this variant in disease. Therefore, it has been classified as a Variant of Uncertain Significance. An algorithm developed to predict the effect of missense changes on protein structure and function (PolyPhen-2) suggests that this variant is likely to be disruptive. ClinVar contains an entry for this variant (Variation ID: 941770). This variant has not been reported in the literature in individuals affected with PDE6C-related conditions. This variant is not present in population databases (gnomAD no frequency). This sequence change replaces glycine, which is neutral and non-polar, with serine, which is neutral and polar, at codon 312 of the PDE6C protein (p.Gly312Ser).